The following is an entry in ClinVar:

ClinVar aggregate classification (germline): Uncertain significance. Review status: criteria provided, multiple submitters, no conflicts (2 of 4 stars). 2 submissions from 2 submitters: Uncertain significance (2). Last evaluated 2024-08-20.

Conditions:
Glycogen storage disease due to muscle beta-enolase deficiency (GSD13). Also called: Glycogen Storage Disease Type XIII; ENOLASE 3 DEFICIENCY; ENOLASE-BETA DEFICIENCY; GSD XIII. Identifiers: Orphanet 99849, MedGen C2752027, MONDO:0013046, OMIM 612932.
Inborn genetic diseases. Identifiers: MedGen C0950123, MeSH D030342.

Allele frequency attached by ClinVar (database versions not stated): gnomAD 0.00001; gnomAD exomes 0.00001; TOPMed 0.00001.
gnomAD v4.1: 5 of 1,614,098 alleles (0.00031%); highest among the groups gnomAD compares: Non-Finnish European, 0.00025%; no homozygotes.

Submissions (2):

Ambry Genetics
Classification: Uncertain significance for Inborn genetic diseases. Last evaluated: 2024-08-20. Review status: criteria provided, single submitter. Criteria: Ambry Variant Classification Scheme 2023. Collection method: clinical testing. Allele origin: germline.

Labcorp Genetics (formerly Invitae), Labcorp
Classification: Uncertain significance for Glycogen storage disease due to muscle beta-enolase deficiency. Last evaluated: 2021-08-12. Review status: criteria provided, single submitter. Criteria: Invitae Variant Classification Sherloc (09022015). Collection method: clinical testing. Allele origin: germline.
Comment: This sequence change replaces isoleucine with phenylalanine at codon 242 of the ENO3 protein (p.Ile242Phe). The isoleucine residue is highly conserved and there is a small physicochemical difference between isoleucine and phenylalanine. This variant is not present in population databases (ExAC no frequency). This variant has not been reported in the literature in individuals affected with ENO3-related conditions. Algorithms developed to predict the effect of missense changes on protein structure and function are either unavailable or do not agree on the potential impact of this missense change (SIFT: "Deleterious"; PolyPhen-2: "Probably Damaging"; Align-GVGD: "Class C0"). In summary, the available evidence is currently insufficient to determine the role of this variant in disease. Therefore, it has been classified as a Variant of Uncertain Significance.

NM_053013.4(ENO3):c.724A>T (p.Ile242Phe)

Gene: ENO3 (enolase 3; plus strand). Cytogenetic location: 17p13.2.
Variant type: single nucleotide variant.
Coding change: c.724A>T on transcript NM_053013.4 (MANE Select); coding-DNA position 724, A replaced by T.
Protein change: p.Ile242Phe; replaces isoleucine 242 with phenylalanine.
Molecular consequence: missense variant.
Genome position (GRCh38, 1-based): chr17:4,955,463, A>T. VCF-style: chr17-4955463-A-T. GRCh37 (hg19) VCF-style: chr17-4858758-A-T.
Other names: c.724A>T (NM_053013.3); c.595A>T, p.Ile199Phe (NM_001193503.2); c.724A>T, p.Ile242Phe (NM_001374523.1, NM_001976.5); c.751A>T, p.Ile251Phe (NM_001374524.1); short protein forms I251F, I199F, I242F.
Identifiers: ClinVar variation 1516206 (VCV001516206.4), dbSNP rs1368067716, ClinGen allele CA397291042.